The following is an entry in ClinVar:

NM_003742.4(ABCB11):c.1156G>T (p.Gly386Ter)

Gene: ABCB11 (ATP binding cassette subfamily B member 11; minus strand). Cytogenetic location: 2q31.1.
Variant type: single nucleotide variant.
Coding change: c.1156G>T on transcript NM_003742.4 (MANE Select); coding-DNA position 1156, G replaced by T.
Protein change: p.Gly386Ter; replaces glycine 386 with a stop codon.
Molecular consequence: nonsense.
Genome position (GRCh38, 1-based): chr2:168,979,907, C>A on the plus strand (G>T on the coding strand, the complement: ABCB11 is on the minus strand). VCF-style: chr2-168979907-C-A. GRCh37 (hg19) VCF-style: chr2-169836417-C-A.
Other names: NM_003742.4(ABCB11):c.1156G>T; p.Gly386Ter; short protein forms G386*.
Identifiers: ClinVar variation 973514 (VCV000973514.4), dbSNP rs764125510, ClinGen allele CA1951680.

ClinVar aggregate classification (germline): Pathogenic. Review status: criteria provided, multiple submitters, no conflicts (2 of 4 stars). 4 submissions from 4 submitters: Pathogenic (4). Last evaluated 2026-04-14.

Conditions:
Familial intrahepatic cholestasis. Identifiers: Orphanet 284385, MedGen CN296401, MONDO:0017290.
Progressive familial intrahepatic cholestasis type 2. Identifiers: Orphanet 79304, MedGen C3489789, MONDO:0011156, OMIM 601847.
Familial intrahepatic cholestasis type 2.

Allele frequency attached by ClinVar (database versions not stated): gnomAD exomes 0.00001; ExAC 0.00002.
gnomAD v4.1: 5 of 1,611,534 alleles (0.00031%); highest among the groups gnomAD compares: South Asian, 0.0055%; no homozygotes.

Submissions (4):

Genomenon, Inc
Classification: Pathogenic for Familial intrahepatic cholestasis. Last evaluated: 2026-04-14. Review status: criteria provided, single submitter. Criteria: Genomenon Sequence Variant Interpretation Standards - Updated. Collection method: curation. Allele origin: germline. Affected: yes.
Comment: ABCB11 p.Gly386Ter (c.1156G>T) is a nonsense variant that introduces a premature stop codon at amino acid position 386, creating a truncated protein that is predicted to undergo nonsense-mediated mRNA decay. This variant has been observed in at least one proband with an ABCB11-related disorder (PMID:39143102;37697751;31160058;28497004). It is absent or not present at a significant frequency in gnomAD. In conclusion, we classify ABCB11 p.Gly386Ter (c.1156G>T) as a pathogenic variant.

Broad Center for Mendelian Genomics, Broad Institute of MIT and Harvard
Classification: Pathogenic for Progressive familial intrahepatic cholestasis type 2. Last evaluated: 2025-01-29. Review status: criteria provided, single submitter. Criteria: ACMG Guidelines, 2015. Collection method: curation. Allele origin: germline. Inheritance: Autosomal recessive inheritance.
Comment: The p.Gly386Ter variant in ABCB11 has been reported in two individuals with BSEP deficiency (PMID: 28497004, 33083013), and has been identified in 0.005% (5/91026) of South Asian chromosomes by the Genome Aggregation Database (gnomAD; dbSNP rs764125510). Although this variant has been seen in the general population in a heterozygous state, its frequency is low enough to be consistent with a recessive carrier frequency. This variant has also been reported in ClinVar (Variation ID: 973514) and has been interpreted as pathogenic by Centogene AG - the Rare Disease Company. Of the two affected individuals, one of those was a homozygote, which increases the likelihood that the p.Gly386Ter variant is pathogenic (PMID: 28497004). This nonsense variant leads to a premature termination codon at position 386, which is predicted to lead to a truncated or absent protein. Loss of function of the ABCB11 gene is an established disease mechanism in autosomal recessive BSEP deficiency. In summary, this variant meets criteria to be classified as pathogenic for autosomal recessive BSEP deficiency. ACMG/AMP Criteria applied: PVS1, PM2_supporting, PM3_supporting (Richards 2015).

Rolfs Rare Disease Consulting, Rolfs Consulting Und Verwaltungs GmbH
Classification: Pathogenic for Progressive familial intrahepatic cholestasis type 2. Last evaluated: 2021-01-01. Review status: criteria provided, single submitter. Criteria: ACMG Guidelines, 2015. Collection method: clinical testing. Allele origin: germline. Affected: yes.

CENTOGENE GmbH and LLC - Guiding Precision Medicine
Classification: Pathogenic for Familial intrahepatic cholestasis type 2. Review status: criteria provided, single submitter. Criteria: ACMG Guidelines, 2015. Collection method: clinical testing. Allele origin: germline. Affected: yes.

Literature cited by the submitters: PubMed 39143102 (cited by Genomenon, Inc); PubMed 37697751 (cited by Genomenon, Inc); PubMed 31160058 (cited by Genomenon, Inc); PubMed 28497004 (cited by Genomenon, Inc).